The following is an entry in ClinVar:

ClinVar aggregate classification (germline): Uncertain significance. Review status: criteria provided, multiple submitters, no conflicts (2 of 4 stars). 2 submissions from 2 submitters: Uncertain significance (2). Last evaluated 2026-01-14.

Conditions:
Dilated cardiomyopathy 1O (CMD1O). Also called: CARDIOMYOPATHY, DILATED, WITH VENTRICULAR TACHYCARDIA. Identifiers: Orphanet 154, MedGen C1837839, MONDO:0012062, OMIM 608569.

Allele frequency attached by ClinVar (database versions not stated): gnomAD exomes below 0.00001; ExAC 0.00001; TOPMed 0.00001.
gnomAD v4.1: 1 of 1,613,806 alleles (0.000062%); highest among the groups gnomAD compares: African/African-American, 0.0013%; no homozygotes.

Submissions (2):

Labcorp Genetics (formerly Invitae), Labcorp
Classification: Uncertain significance for Dilated cardiomyopathy 1O. Last evaluated: 2026-01-14. Review status: criteria provided, single submitter. Criteria: Invitae Variant Classification Sherloc (09022015). Collection method: clinical testing. Allele origin: germline.
Comment: This sequence change replaces glycine, which is neutral and non-polar, with alanine, which is neutral and non-polar, at codon 171 of the ABCC9 protein (p.Gly171Ala). This variant is present in population databases (rs779159910, gnomAD 0.007%). This variant has not been reported in the literature in individuals affected with ABCC9-related conditions. ClinVar contains an entry for this variant (Variation ID: 2055271). Invitae Evidence Modeling of protein sequence and biophysical properties (such as structural, functional, and spatial information, amino acid conservation, physicochemical variation, residue mobility, and thermodynamic stability) has been performed for this missense variant. However, the output from this modeling did not meet the statistical confidence thresholds required to predict the impact of this variant on ABCC9 protein function. In summary, the available evidence is currently insufficient to determine the role of this variant in disease. Therefore, it has been classified as a Variant of Uncertain Significance.

GeneDx
Classification: Uncertain significance. Last evaluated: 2023-06-26. Review status: criteria provided, single submitter. Criteria: GeneDx Variant Classification Process June 2021. Collection method: clinical testing. Allele origin: germline. Affected: yes.
Comment: Not observed at significant frequency in large population cohorts (gnomAD); In silico analysis supports that this missense variant does not alter protein structure/function; Has not been previously published as pathogenic or benign to our knowledge

NM_020297.4(ABCC9):c.512G>C (p.Gly171Ala)

Gene: ABCC9 (ATP binding cassette subfamily C member 9; minus strand). Cytogenetic location: 12p12.1.
Variant type: single nucleotide variant.
Coding change: c.512G>C on transcript NM_020297.4 (MANE Select); coding-DNA position 512, G replaced by C.
Protein change: p.Gly171Ala; replaces glycine 171 with alanine.
Molecular consequence: missense variant. On other transcripts: intron variant (1).
Genome position (GRCh38, 1-based): chr12:21,916,998, C>G on the plus strand (G>C on the coding strand, the complement: ABCC9 is on the minus strand). VCF-style: chr12-21916998-C-G. GRCh37 (hg19) VCF-style: chr12-22069932-C-G.
Other names: c.512G>C, p.Gly171Ala (NM_001377273.1, NM_005691.4); c.-48-3932G>C (NM_001377274.1); short protein forms G171A.
Identifiers: ClinVar variation 2055271 (VCV002055271.5), dbSNP rs779159910, ClinGen allele CA6481853.